The following is an entry in ClinVar:

ClinVar aggregate classification (germline): Uncertain significance (1 of 4 stars; one submission).

Submission:

Labcorp Genetics (formerly Invitae), Labcorp
Classification: Uncertain significance. Last evaluated: 2022-09-27. Review status: criteria provided, single submitter. Criteria: Invitae Variant Classification Sherloc (09022015). Collection method: clinical testing. Allele origin: germline.
Comment: This sequence change replaces alanine, which is neutral and non-polar, with threonine, which is neutral and polar, at codon 519 of the POLR3A protein (p.Ala519Thr). This variant is not present in population databases (gnomAD no frequency). This variant has not been reported in the literature in individuals affected with POLR3A-related conditions. Advanced modeling of protein sequence and biophysical properties (such as structural, functional, and spatial information, amino acid conservation, physicochemical variation, residue mobility, and thermodynamic stability) performed at Invitae indicates that this missense variant is expected to disrupt POLR3A protein function. In summary, the available evidence is currently insufficient to determine the role of this variant in disease. Therefore, it has been classified as a Variant of Uncertain Significance.

NM_007055.4(POLR3A):c.1555G>A (p.Ala519Thr)

Gene: POLR3A (RNA polymerase III subunit A; minus strand). Cytogenetic location: 10q22.3.
Variant type: single nucleotide variant.
Coding change: c.1555G>A on transcript NM_007055.4 (MANE Select); coding-DNA position 1555, G replaced by A.
Protein change: p.Ala519Thr; replaces alanine 519 with threonine.
Molecular consequence: missense variant.
Genome position (GRCh38, 1-based): chr10:78,013,667, C>T on the plus strand (G>A on the coding strand, the complement: POLR3A is on the minus strand). VCF-style: chr10-78013667-C-T. GRCh37 (hg19) VCF-style: chr10-79773425-C-T.
Other names: short protein forms A519T.
Identifiers: ClinVar variation 2011453 (VCV002011453.4), dbSNP rs1048632422, ClinGen allele CA377341799.